The following is an entry in ClinVar:

NM_000359.3(TGM1):c.2446G>A (p.Gly816Arg)

Gene: TGM1 (transglutaminase 1; minus strand). Cytogenetic location: 14q12.
Variant type: single nucleotide variant.
Coding change: c.2446G>A on transcript NM_000359.3 (MANE Select); coding-DNA position 2446, G replaced by A.
Protein change: p.Gly816Arg; replaces glycine 816 with arginine.
Molecular consequence: missense variant.
Genome position (GRCh38, 1-based): chr14:24,249,321, C>T on the plus strand (G>A on the coding strand, the complement: TGM1 is on the minus strand). VCF-style: chr14-24249321-C-T. GRCh37 (hg19) VCF-style: chr14-24718527-C-T.
Other names: short protein forms G816R.
Identifiers: ClinVar variation 3775829 (VCV003775829.1).

ClinVar aggregate classification (germline): Uncertain significance (1 of 4 stars; one submission).

Conditions:
Autosomal recessive congenital ichthyosis 1 (LI1). Also called: ICHTHYOSIS CONGENITA; ICHTHYOSIS CONGENITA II; LAMELLAR EXFOLIATION OF NEWBORN; COLLODION FETUS; DESQUAMATION OF NEWBORN; ICHTHYOSIS, CONGENITAL, AUTOSOMAL RECESSIVE 1, WITH BATHING SUIT DISTRIBUTION. Identifiers: MedGen C4551630, MONDO:0009441, OMIM 242300.

gnomAD v4.1: 1 of 1,613,308 alleles (0.000062%); highest among the groups gnomAD compares: Non-Finnish European, 0.000085%; no homozygotes.

Submission:

3billion
Classification: Uncertain significance for Autosomal recessive congenital ichthyosis 1. Last evaluated: 2023-07-19. Review status: criteria provided, single submitter. Criteria: ACMG Guidelines, 2015. Collection method: clinical testing. Allele origin: germline. Affected: yes.
Comment: The variant is observed at an extremely low frequency in the gnomAD v2.1.1 dataset (total allele frequency: 0.003%). Predicted Consequence/Location: Missense variant In silico tool predictions suggest no damaging effect of the variant on gene or gene product (REVEL: 0.15; 3Cnet: 0.15). Therefore, this variant is classified as VUS according to the recommendation of ACMG/AMP guideline.